The following is an entry in ClinVar:

NM_018051.5(DYNC2I1):c.490+1G>A

Gene: DYNC2I1 (dynein 2 intermediate chain 1; plus strand). Cytogenetic location: 7q36.3.
Variant type: single nucleotide variant.
Coding change: c.490+1G>A on transcript NM_018051.5 (MANE Select); the canonical splice donor site of the intron after coding-DNA position 490, G replaced by A.
Molecular consequence: splice donor variant.
Genome position (GRCh38, 1-based): chr7:158,871,563, G>A. VCF-style: chr7-158871563-G-A. GRCh37 (hg19) VCF-style: chr7-158664254-G-A.
Other names: c.352+1G>A (NM_001350914.2); c.-996+1G>A (NM_001350918.2); c.-877+1G>A (NM_001350917.2); c.-869+1G>A (NM_001350916.2); c.-28+1G>A (NM_001350915.2).
Identifiers: ClinVar variation 3649821 (VCV003649821.2).

ClinVar aggregate classification (germline): Likely pathogenic (1 of 4 stars; one submission).

Conditions:
Short-rib thoracic dysplasia 8 with or without polydactyly (SRTD8). Also called: SHORT-RIB THORACIC DYSPLASIA 8 WITH POLYDACTYLY. Identifiers: Orphanet 93271, MedGen C3809691, MONDO:0014214, OMIM 615503.

Submission:

Labcorp Genetics (formerly Invitae), Labcorp
Classification: Likely pathogenic for Short-rib thoracic dysplasia 8 with or without polydactyly. Last evaluated: 2025-09-02. Review status: criteria provided, single submitter. Criteria: Invitae Variant Classification Sherloc (09022015). Collection method: clinical testing. Allele origin: germline.
Comment: This sequence change affects a donor splice site in intron 3 of the WDR60 gene. It is expected to disrupt RNA splicing. Variants that disrupt the donor or acceptor splice site typically lead to a loss of protein function (PMID: 16199547), and loss-of-function variants in WDR60 are known to be pathogenic (PMID: 9068549, 23910462). This variant is not present in population databases (gnomAD no frequency). This variant has not been reported in the literature in individuals affected with WDR60-related conditions. ClinVar contains an entry for this variant (Variation ID: 3649821). Algorithms developed to predict the effect of sequence changes on RNA splicing suggest that this variant may disrupt the consensus splice site. In summary, the currently available evidence indicates that the variant is pathogenic, but additional data are needed to prove that conclusively. Therefore, this variant has been classified as Likely Pathogenic.

Literature cited by the submitters: PubMed 16199547; PubMed 9068549; PubMed 23910462.